The following is an entry in ClinVar:

NM_052874.5(STX1B):c.572T>C (p.Leu191Pro)

Gene: STX1B (syntaxin 1B; minus strand). Cytogenetic location: 16p11.2.
Variant type: single nucleotide variant.
Coding change: c.572T>C on transcript NM_052874.5 (MANE Select); coding-DNA position 572, T replaced by C.
Protein change: p.Leu191Pro; replaces leucine 191 with proline.
Molecular consequence: missense variant.
Genome position (GRCh38, 1-based): chr16:30,993,450, A>G on the plus strand (T>C on the coding strand, the complement: STX1B is on the minus strand). VCF-style: chr16-30993450-A-G. GRCh37 (hg19) VCF-style: chr16-31004771-A-G.
Other names: short protein forms L191P.
Identifiers: ClinVar variation 1023683 (VCV001023683.8), dbSNP rs2056574153, ClinGen allele CA395647465.

ClinVar aggregate classification (germline): Uncertain significance (1 of 4 stars; one submission).

Conditions:
Generalized epilepsy with febrile seizures plus, type 9 (GEFSP9). Also called: GEFS+, TYPE 9. Identifiers: Orphanet 36387, MedGen C4015395, MONDO:0014517, OMIM 616172.

Submission:

Labcorp Genetics (formerly Invitae), Labcorp
Classification: Uncertain significance for Generalized epilepsy with febrile seizures plus, type 9. Last evaluated: 2023-12-11. Review status: criteria provided, single submitter. Criteria: Invitae Variant Classification Sherloc (09022015). Collection method: clinical testing. Allele origin: germline.
Comment: This sequence change replaces leucine, which is neutral and non-polar, with proline, which is neutral and non-polar, at codon 191 of the STX1B protein (p.Leu191Pro). This variant is not present in population databases (gnomAD no frequency). This variant has not been reported in the literature in individuals affected with STX1B-related conditions. ClinVar contains an entry for this variant (Variation ID: 1023683). Advanced modeling of protein sequence and biophysical properties (such as structural, functional, and spatial information, amino acid conservation, physicochemical variation, residue mobility, and thermodynamic stability) performed at Invitae indicates that this missense variant is expected to disrupt STX1B protein function with a positive predictive value of 80%. In summary, the available evidence is currently insufficient to determine the role of this variant in disease. Therefore, it has been classified as a Variant of Uncertain Significance.